The following is an entry in ClinVar:

NM_001136193.2(FASTKD2):c.1681T>G (p.Ser561Ala)

Gene: FASTKD2 (FAST kinase domains 2; plus strand). Cytogenetic location: 2q33.3.
Variant type: single nucleotide variant.
Coding change: c.1681T>G on transcript NM_001136193.2 (MANE Select); coding-DNA position 1681, T replaced by G.
Protein change: p.Ser561Ala; replaces serine 561 with alanine.
Molecular consequence: missense variant.
Genome position (GRCh38, 1-based): chr2:206,788,023, T>G. VCF-style: chr2-206788023-T-G. GRCh37 (hg19) VCF-style: chr2-207652747-T-G.
Other names: c.1681T>G, p.Ser561Ala (NM_001136194.2, NM_014929.4); short protein forms S561A.
Identifiers: ClinVar variation 1958710 (VCV001958710.5), dbSNP rs1690182232, ClinGen allele CA350082566.

ClinVar aggregate classification (germline): Uncertain significance (1 of 4 stars; one submission).

Allele frequency attached by ClinVar (database versions not stated): TOPMed below 0.00001.

Submission:

Labcorp Genetics (formerly Invitae), Labcorp
Classification: Uncertain significance. Last evaluated: 2022-05-12. Review status: criteria provided, single submitter. Criteria: Invitae Variant Classification Sherloc (09022015). Collection method: clinical testing. Allele origin: germline.
Comment: This sequence change replaces serine, which is neutral and polar, with alanine, which is neutral and non-polar, at codon 561 of the FASTKD2 protein (p.Ser561Ala). In summary, the available evidence is currently insufficient to determine the role of this variant in disease. Therefore, it has been classified as a Variant of Uncertain Significance. Algorithms developed to predict the effect of missense changes on protein structure and function output the following: SIFT: "Tolerated"; PolyPhen-2: "Benign"; Align-GVGD: "Class C0". The alanine amino acid residue is found in multiple mammalian species, which suggests that this missense change does not adversely affect protein function. This variant has not been reported in the literature in individuals affected with FASTKD2-related conditions. This variant is not present in population databases (gnomAD no frequency).